The following is an entry in ClinVar:

ClinVar aggregate classification (germline): Benign (1 of 4 stars; one submission).

Conditions:
Familial adenomatous polyposis 1 (FAP1). Also called: POLYPOSIS, ADENOMATOUS INTESTINAL; FAMILIAL ADENOMATOUS POLYPOSIS 1, ATTENUATED. Identifiers: MedGen C2713442, MONDO:0021056, OMIM 175100. Disease mechanism: loss of function.

Submission:

Myriad Genetics, Inc.
Classification: Benign for Familial adenomatous polyposis 1. Last evaluated: 2024-03-26. Review status: criteria provided, single submitter. Criteria: Myriad Autosomal Dominant, Autosomal Recessive and X-Linked Classification Criteria (2023). Collection method: clinical testing. Allele origin: unknown.
Comment: This variant is considered benign. This variant is a silent/synonymous amino acid change and it is not expected to impact splicing.

NM_000038.6(APC):c.4338T>G (p.Ala1446=)

Gene: APC (APC regulator of Wnt signaling pathway; plus strand). Cytogenetic location: 5q22.2.
Variant type: single nucleotide variant.
Coding change: c.4338T>G on transcript NM_000038.6 (MANE Select); coding-DNA position 4338, T replaced by G.
Protein change: p.Ala1446=; no amino-acid change (alanine 1446 retained).
Molecular consequence: synonymous variant. On other transcripts: non-coding transcript variant (2).
Genome position (GRCh38, 1-based): chr5:112,839,932, T>G. VCF-style: chr5-112839932-T-G. GRCh37 (hg19) VCF-style: chr5-112175629-T-G.
Other names: c.4338T>G, p.Ala1446= (NM_001127510.3, NM_001354895.2, NM_001407450.1); c.4284T>G, p.Ala1428= (NM_001127511.3); c.4392T>G, p.Ala1464= (NM_001354896.2, NM_001407447.1, NM_001407448.1 and 1 more transcripts); c.4368T>G, p.Ala1456= (NM_001354897.2); c.4263T>G, p.Ala1421= (NM_001354898.2); c.4254T>G, p.Ala1418= (NM_001354899.2); c.4215T>G, p.Ala1405= (NM_001354900.2); c.4161T>G, p.Ala1387= (NM_001354901.2, NM_001407453.1); and 11 more.
Identifiers: ClinVar variation 3148193 (VCV003148193.1), dbSNP rs2149912136, ClinGen allele CA445964497.